The following is an entry in ClinVar:

NM_001035.3(RYR2):c.7230T>C (p.His2410=)

Gene: RYR2 (ryanodine receptor 2; plus strand). Cytogenetic location: 1q43.
Variant type: single nucleotide variant.
Coding change: c.7230T>C on transcript NM_001035.3 (MANE Select); coding-DNA position 7230, T replaced by C.
Protein change: p.His2410=; no amino-acid change (histidine 2410 retained).
Molecular consequence: synonymous variant.
Genome position (GRCh38, 1-based): chr1:237,643,335, T>C. VCF-style: chr1-237643335-T-C. GRCh37 (hg19) VCF-style: chr1-237806635-T-C.
Other names: c.7230T>C (NM_001035.2).
Identifiers: ClinVar variation 916382 (VCV000916382.47), dbSNP rs754982634, ClinGen allele CA087338.

ClinVar aggregate classification (germline): Likely benign. Review status: criteria provided, multiple submitters, no conflicts (2 of 4 stars). 5 submissions from 5 submitters: Likely benign (5). Last evaluated 2024-09-25.

Conditions:
Catecholaminergic polymorphic ventricular tachycardia (CVPT). Also called: Catecholamine-induced polymorphic ventricular tachycardia. Identifiers: Orphanet 3286, MedGen C5574922, MONDO:0017990.
Cardiomyopathy (CMYO). Also called: Cardiomyopathies. Identifiers: Orphanet 167848, MedGen C0878544, MONDO:0004994, HP:0001638. Inheritance: Various modes of inheritance.
Catecholaminergic polymorphic ventricular tachycardia 1. Also called: RYR2-Related Catecholaminergic Polymorphic Ventricular Tachycardia; VENTRICULAR TACHYCARDIA, STRESS-INDUCED POLYMORPHIC 1; VENTRICULAR TACHYCARDIA, CATECHOLAMINERGIC POLYMORPHIC, 1, WITH OR WITHOUT ATRIAL DYSFUNCTION AND/OR DILATED CARDIOMYOPATHY. Identifiers: Orphanet 3286, MedGen C1631597, MONDO:0011484, OMIM 604772.
Cardiovascular phenotype. Identifiers: MedGen CN230736.

Allele frequency attached by ClinVar (database versions not stated): gnomAD exomes 0.00001; TOPMed 0.00001; ExAC 0.00002.
gnomAD v4.1: 6 of 1,613,684 alleles (0.00037%); highest among the groups gnomAD compares: Middle Eastern, 0.016%; no homozygotes.

Submissions (5):

Labcorp Genetics (formerly Invitae), Labcorp
Classification: Likely benign for Catecholaminergic polymorphic ventricular tachycardia 1. Last evaluated: 2024-09-25. Review status: criteria provided, single submitter. Criteria: Invitae Variant Classification Sherloc (09022015). Collection method: clinical testing. Allele origin: germline.

Ambry Genetics
Classification: Likely benign for Cardiovascular phenotype. Last evaluated: 2024-06-07. Review status: criteria provided, single submitter. Criteria: Ambry Variant Classification Scheme 2023. Collection method: clinical testing. Allele origin: germline.

All of Us Research Program, National Institutes of Health
Classification: Likely benign for Catecholaminergic polymorphic ventricular tachycardia. Last evaluated: 2023-12-13. Review status: criteria provided, single submitter. Criteria: ACMG Guidelines, 2015. Collection method: clinical testing. Allele origin: germline. Inheritance: Autosomal dominant inheritance. Observed: 2 variant alleles, 2 heterozygotes.
Comment: This study involves interpretation of variants in research participants for the purpose of population health screening. Participant phenotype was not available at the time of variant classification. Additional details can be found in publication PMID: 35346344, PMCID: PMC8962531

Color Diagnostics, LLC DBA Color Health
Classification: Likely benign for Cardiomyopathy. Last evaluated: 2023-08-31. Review status: criteria provided, single submitter. Criteria: ACMG Guidelines, 2015. Collection method: clinical testing. Allele origin: germline.

CeGaT Center for Human Genetics Tuebingen
Classification: Likely benign. Last evaluated: 2020-03-01. Review status: criteria provided, single submitter. Criteria: CeGaT Center For Human Genetics Tuebingen Variant Classification Criteria Version 2. Collection method: clinical testing. Allele origin: germline. Affected: yes. Observed: 2 variant alleles.